The following is an entry in ClinVar:

NM_004606.5(TAF1):c.5015T>C (p.Met1672Thr)

Gene: TAF1 (TATA-box binding protein associated factor 1; plus strand). Cytogenetic location: Xq13.1.
Variant type: single nucleotide variant.
Coding change: c.5015T>C on transcript NM_004606.5 (MANE Select); coding-DNA position 5015, T replaced by C.
Protein change: p.Met1672Thr; replaces methionine 1672 with threonine.
Molecular consequence: missense variant. On other transcripts: non-coding transcript variant (9).
Genome position (GRCh38, 1-based): chrX:71,458,317, T>C. VCF-style: chrX-71458317-T-C. GRCh37 (hg19) VCF-style: chrX-70678167-T-C.
Other names: c.5021T>C, p.Met1674Thr (NM_001286074.2); c.5015T>C, p.Met1672Thr (NM_001440852.1, NM_001440853.1); c.4952T>C, p.Met1651Thr (NM_001440854.1, NM_138923.4); short protein forms M1672T, M1674T, M1651T.
Identifiers: ClinVar variation 4995894 (VCV004995894.1).

ClinVar aggregate classification (germline): Uncertain significance (1 of 4 stars; one submission).

Conditions:
TAF1-related disorder. Also called: TAF1-related condition.

Submission:

PreventionGenetics, part of Exact Sciences
Classification: Uncertain significance for TAF1-related condition. Last evaluated: 2026-05-16. Review status: criteria provided, single submitter. Criteria: ACMG Guidelines, 2015. Collection method: clinical testing. Allele origin: germline.
Comment: The TAF1 c.5081T>C variant is predicted to result in the amino acid substitution p.Met1694Thr. To our knowledge, this variant has not been reported in the literature or in a large population database (gnomAD), indicating this variant is rare. At this time, the clinical significance of this variant is uncertain due to the absence of conclusive functional and genetic evidence.